The following is an entry in ClinVar:

ClinVar aggregate classification (germline): Uncertain significance (1 of 4 stars; one submission).

Allele frequency attached by ClinVar (database versions not stated): TOPMed 0.00001.

Submission:

Labcorp Genetics (formerly Invitae), Labcorp
Classification: Uncertain significance. Last evaluated: 2023-06-03. Review status: criteria provided, single submitter. Criteria: Invitae Variant Classification Sherloc (09022015). Collection method: clinical testing. Allele origin: germline.
Comment: This variant is present in population databases (no rsID available, gnomAD 0.01%). This sequence change replaces arginine, which is basic and polar, with lysine, which is basic and polar, at codon 438 of the ANKZF1 protein (p.Arg438Lys). This variant has not been reported in the literature in individuals affected with ANKZF1-related conditions. Algorithms developed to predict the effect of missense changes on protein structure and function output the following: SIFT: "Not Available"; PolyPhen-2: "Benign"; Align-GVGD: "Not Available". The lysine amino acid residue is found in multiple mammalian species, which suggests that this missense change does not adversely affect protein function. In summary, the available evidence is currently insufficient to determine the role of this variant in disease. Therefore, it has been classified as a Variant of Uncertain Significance.

NM_018089.3(ANKZF1):c.1313G>A (p.Arg438Lys)

Gene: ANKZF1 (ankyrin repeat and zinc finger peptidyl tRNA hydrolase 1; plus strand). Cytogenetic location: 2q35.
Variant type: single nucleotide variant.
Coding change: c.1313G>A on transcript NM_018089.3 (MANE Select); coding-DNA position 1313, G replaced by A.
Protein change: p.Arg438Lys; replaces arginine 438 with lysine.
Molecular consequence: missense variant.
Genome position (GRCh38, 1-based): chr2:219,234,934, G>A. VCF-style: chr2-219234934-G-A. GRCh37 (hg19) VCF-style: chr2-220099656-G-A.
Other names: c.1313G>A, p.Arg438Lys (NM_001042410.2); c.683G>A, p.Arg228Lys (NM_001282792.2); short protein forms R228K, R438K.
Identifiers: ClinVar variation 2871107 (VCV002871107.3), dbSNP rs1434916413, ClinGen allele CA350680309.
Genomic context (GRCh38, chr2:219,234,934, plus strand): 5'-TGGAGTTGACTGTGGGGACTCTGGATCTTTGTGAGTCTGAAGTATTGCCCAAGCGGAGGA[G>A]GAGAAAAAGGAATAAGAAGGAGAAAAGCCGAGACCAGGAGGCTGGGGCACATCGGACTCT-3'
Protein context (NP_060559.2, residues 428-448): CESEVLPKRR[Arg438Lys]RKRNKKEKSR